The following is an entry in ClinVar:

NM_032043.3(BRIP1):c.225C>T (p.Gly75=)

Gene: BRIP1 (BRCA1 interacting DNA helicase 1; minus strand). Cytogenetic location: 17q23.2.
Variant type: single nucleotide variant.
Coding change: c.225C>T on transcript NM_032043.3 (MANE Select); coding-DNA position 225, C replaced by T.
Protein change: p.Gly75=; no amino-acid change (glycine 75 retained).
Molecular consequence: synonymous variant.
Genome position (GRCh38, 1-based): chr17:61,857,212, G>A on the plus strand (C>T on the coding strand, the complement: BRIP1 is on the minus strand). VCF-style: chr17-61857212-G-A. GRCh37 (hg19) VCF-style: chr17-59934573-G-A.
Other names: p.Gly75=.
Identifiers: ClinVar variation 184224 (VCV000184224.29), dbSNP rs186802750, ClinGen allele CA188263.

ClinVar aggregate classification (germline): Benign/Likely benign. Review status: criteria provided, multiple submitters, no conflicts (2 of 4 stars). 12 submissions from 12 submitters: Benign (3); Likely benign (7). 2 of the submissions do not count toward it. Last evaluated 2026-01-18.

Conditions:
BRIP1-related disorder. Also called: BRIP1-related condition; BRIP1-related disorders. Identifiers: MedGen CN239206.
Hereditary cancer-predisposing syndrome. Also called: Tumor predisposition; Hereditary Cancer Syndrome; Hereditary neoplastic syndrome; Neoplastic Syndromes, Hereditary. Identifiers: Orphanet 140162, MedGen C0027672, MeSH D009386, MONDO:0015356.
Familial ovarian cancer. Identifiers: MedGen C5679802, MONDO:0016248.
Familial cancer of breast. Also called: BREAST CANCER, FAMILIAL; hereditary breast carcinoma; Hereditary breast cancer. Identifiers: Orphanet 227535, MedGen C0346153, MONDO:0016419, OMIM 114480. Disease mechanism: loss of function.
Fanconi anemia complementation group J. Also called: BRIP1-Related Fanconi Anemia. Identifiers: Orphanet 84, MedGen C1836860, MONDO:0012187, OMIM 609054.

Allele frequency attached by ClinVar (database versions not stated): gnomAD 0.00001 and 0.00002; TOPMed 0.00002; gnomAD exomes 0.00003 and 0.00010; ExAC 0.00011; 1000 Genomes Project 30x 0.00016; 1000 Genomes Project 0.00020.
gnomAD v4.1: 47 of 1,613,512 alleles (0.0029%); highest among the groups gnomAD compares: East Asian, 0.1%; no homozygotes.

Submissions (12):

Labcorp Genetics (formerly Invitae), Labcorp
Classification: Likely benign for Familial cancer of breast; Fanconi anemia complementation group J. Last evaluated: 2026-01-18. Review status: criteria provided, single submitter. Criteria: Invitae Variant Classification Sherloc (09022015). Collection method: clinical testing. Allele origin: germline.

Mayo Clinic Laboratories, Mayo Clinic
Classification: Likely benign. Last evaluated: 2025-07-14. Review status: criteria provided, single submitter. Criteria: ACMG Guidelines, 2015. Collection method: clinical testing. Allele origin: germline. Observed: 1 variant allele.
Comment: BS1, BP4, BP7

Myriad Genetics, Inc.
Classification: Benign for Familial cancer of breast. Last evaluated: 2024-08-09. Review status: criteria provided, single submitter. Criteria: Myriad Autosomal Dominant, Autosomal Recessive and X-Linked Classification Criteria (2023). Collection method: clinical testing. Allele origin: unknown.
Comment: This variant is considered benign. This variant is a silent/synonymous amino acid change and it is not expected to impact splicing.

Women's Health and Genetics/Laboratory Corporation of America, LabCorp
Classification: Benign. Last evaluated: 2022-08-14. Review status: criteria provided, single submitter. Criteria: LabCorp Variant Classification Summary - May 2015. Collection method: clinical testing. Allele origin: germline.

Quest Diagnostics Nichols Institute San Juan Capistrano
Classification: Benign. Last evaluated: 2021-07-28. Review status: criteria provided, single submitter. Criteria: Quest Diagnostics criteria. Collection method: clinical testing. Allele origin: unknown.

Department of Pathology and Laboratory Medicine, Sinai Health System
Classification: Likely benign for familial ovarian cancer. Last evaluated: 2021-05-12. Review status: criteria provided, single submitter. Criteria: ACMG Guidelines, 2015. Collection method: clinical testing. Allele origin: germline. Affected: yes.

Sema4
Classification: Likely benign for Hereditary cancer-predisposing syndrome. Last evaluated: 2020-12-02. Review status: criteria provided, single submitter. Criteria: Sema4 Curation Guidelines. Collection method: curation. Allele origin: germline.

GeneDx
Classification: Likely benign. Last evaluated: 2019-10-03. Review status: criteria provided, single submitter. Criteria: GeneDx Variant Classification Process June 2021. Collection method: clinical testing. Allele origin: germline. Affected: yes.

Color Diagnostics, LLC DBA Color Health
Classification: Likely benign for Hereditary cancer-predisposing syndrome. Last evaluated: 2016-12-08. Review status: criteria provided, single submitter. Criteria: ACMG Guidelines, 2015. Collection method: clinical testing. Allele origin: germline.

Ambry Genetics
Classification: Likely benign for Hereditary cancer-predisposing syndrome. Last evaluated: 2016-09-15. Review status: criteria provided, single submitter. Criteria: Ambry Variant Classification Scheme 2023. Collection method: clinical testing. Allele origin: germline.

PreventionGenetics, part of Exact Sciences
Classification: Likely benign for BRIP1-related condition. Last evaluated: 2024-01-03. Review status: no assertion criteria provided. Collection method: clinical testing. Allele origin: germline. Not counted in ClinVar's aggregate classification.
Comment: This variant is classified as likely benign based on ACMG/AMP sequence variant interpretation guidelines (Richards et al. 2015 PMID: 25741868, with internal and published modifications).

Leiden Open Variation Database
Classification: Benign. Last evaluated: 2019-08-13. Review status: no assertion criteria provided. Collection method: curation. Allele origin: germline. Affected: yes. Not counted in ClinVar's aggregate classification.
Comment: Curator: Arleen D. Auerbach. Submitter to LOVD: Yukihide Momozawa.

Literature cited by the submitters: PubMed 31214711 (cited by Quest Diagnostics Nichols Institute San Juan Capistrano and Leiden Open Variation Database).